The following is an entry in ClinVar:

NM_001863.5(COX6B1):c.106+45G>A

Gene: COX6B1 (cytochrome c oxidase subunit 6B1; plus strand). Cytogenetic location: 19q13.12.
Variant type: single nucleotide variant.
Coding change: c.106+45G>A on transcript NM_001863.5 (MANE Select); 45 bases into the intron after coding-DNA position 106, G replaced by A.
Molecular consequence: intron variant.
Genome position (GRCh38, 1-based): chr19:35,651,394, G>A. VCF-style: chr19-35651394-G-A. GRCh37 (hg19) VCF-style: chr19-36142296-G-A.
Identifiers: ClinVar variation 676113 (VCV000676113.2), dbSNP rs61220012, ClinGen allele CA9383136.

ClinVar aggregate classification (germline): Benign. Review status: criteria provided, multiple submitters, no conflicts (2 of 4 stars). 2 submissions from 2 submitters: Benign (2). Last evaluated 2018-06-16.

Allele frequency attached by ClinVar (database versions not stated): ESP Exome Variant Server 0.09542; TOPMed 0.10678; gnomAD 0.11170 and 0.11174; 1000 Genomes Project 0.11861; 1000 Genomes Project 30x 0.12024; ExAC 0.13240.
gnomAD v4.1: 165,150 of 1,463,866 alleles (11%); highest among the groups gnomAD compares: Admixed American, 19%; 10,270 homozygotes.

Submissions (2):

GeneDx
Classification: Benign. Last evaluated: 2018-06-16. Review status: criteria provided, single submitter. Criteria: GeneDx Variant Classification (06012015). Collection method: clinical testing. Allele origin: germline. Affected: yes.
Comment: This variant is considered likely benign or benign based on one or more of the following criteria: it is a conservative change, it occurs at a poorly conserved position in the protein, it is predicted to be benign by multiple in silico algorithms, and/or has population frequency not consistent with disease.

Breakthrough Genomics
Classification: Benign. Review status: criteria provided, single submitter. Criteria: ACMG Guidelines, 2015. Collection method: not provided. Allele origin: germline. Inheritance: Autosomal recessive inheritance. Affected: yes.